The following is an entry in ClinVar:

ClinVar aggregate classification (germline): Uncertain significance (1 of 4 stars; one submission).

Conditions:
Gastrointestinal stromal tumor. Also called: Gastrointestinal stromal tumor, somatic; Gastrointestinal stroma tumor. Identifiers: Orphanet 44890, MedGen C0238198, MeSH D046152, MONDO:0011719, OMIM 606764, HP:0100723.

Submission:

Labcorp Genetics (formerly Invitae), Labcorp
Classification: Uncertain significance for Gastrointestinal stromal tumor. Last evaluated: 2022-06-03. Review status: criteria provided, single submitter. Criteria: Invitae Variant Classification Sherloc (09022015). Collection method: clinical testing. Allele origin: germline.
Comment: In summary, the available evidence is currently insufficient to determine the role of this variant in disease. Therefore, it has been classified as a Variant of Uncertain Significance. Variants that disrupt the consensus splice site are a relatively common cause of aberrant splicing (PMID: 17576681, 9536098). Algorithms developed to predict the effect of sequence changes on RNA splicing suggest that this variant is not likely to affect RNA splicing. ClinVar contains an entry for this variant (Variation ID: 646462). This variant has not been reported in the literature in individuals affected with PDGFRA-related conditions. This variant is not present in population databases (gnomAD no frequency). This sequence change falls in intron 11 of the PDGFRA gene. It does not directly change the encoded amino acid sequence of the PDGFRA protein. It affects a nucleotide within the consensus splice site.

Literature cited by the submitters: PubMed 17576681; PubMed 9536098.

NM_006206.6(PDGFRA):c.1653+4G>T

Gene: PDGFRA (platelet derived growth factor receptor alpha; plus strand). Cytogenetic location: 4q12.
Variant type: single nucleotide variant.
Coding change: c.1653+4G>T on transcript NM_006206.6 (MANE Select); 4 bases into the intron after coding-DNA position 1653, G replaced by T.
Molecular consequence: intron variant.
Genome position (GRCh38, 1-based): chr4:54,274,629, G>T. VCF-style: chr4-54274629-G-T. GRCh37 (hg19) VCF-style: chr4-55140796-G-T.
Other names: c.1728+4G>T (NM_001347828.2); c.1653+4G>T (NM_001347827.2, NM_001347829.2); c.1692+4G>T (NM_001347830.2).
Identifiers: ClinVar variation 646462 (VCV000646462.9), dbSNP rs1577726307, ClinGen allele CA915943055.